The following is an entry in ClinVar:

ClinVar aggregate classification (germline): Uncertain significance. Review status: criteria provided, multiple submitters, no conflicts (2 of 4 stars). 2 submissions from 2 submitters: Uncertain significance (2). Last evaluated 2024-05-09.

Conditions:
Malignant hyperthermia, susceptibility to, 5 (MHS5). Also called: CACNA1S-Related Malignant Hyperthermia Susceptibility. Identifiers: Orphanet 423, MedGen C1866077, MONDO:0011163, OMIM 601887.
Hypokalemic periodic paralysis, type 1. Also called: Hypokalemic Periodic Paralysis Type 1 (AD); HypoPP. Identifiers: Orphanet 681, MedGen C3714580, MONDO:0042979, OMIM 170400.

Submissions (2):

All of Us Research Program, National Institutes of Health
Classification: Uncertain significance for Malignant hyperthermia, susceptibility to, 5. Last evaluated: 2024-05-09. Review status: criteria provided, single submitter. Criteria: ACMG Guidelines, 2015. Collection method: clinical testing. Allele origin: germline. Inheritance: Autosomal dominant inheritance. Observed: 1 variant allele, 1 heterozygote.
Comment: This study involves interpretation of variants in research participants for the purpose of population health screening. Participant phenotype was not available at the time of variant classification. Additional details can be found in publication PMID: 35346344, PMCID: PMC8962531

Labcorp Genetics (formerly Invitae), Labcorp
Classification: Uncertain significance for Hypokalemic periodic paralysis, type 1; Malignant hyperthermia, susceptibility to, 5. Last evaluated: 2022-03-11. Review status: criteria provided, single submitter. Criteria: Invitae Variant Classification Sherloc (09022015). Collection method: clinical testing. Allele origin: germline.
Comment: This sequence change replaces alanine, which is neutral and non-polar, with glycine, which is neutral and non-polar, at codon 1592 of the CACNA1S protein (p.Ala1592Gly). This variant is not present in population databases (gnomAD no frequency). This variant has not been reported in the literature in individuals affected with CACNA1S-related conditions. Advanced modeling of protein sequence and biophysical properties (such as structural, functional, and spatial information, amino acid conservation, physicochemical variation, residue mobility, and thermodynamic stability) performed at Invitae indicates that this missense variant is not expected to disrupt CACNA1S protein function. In summary, the available evidence is currently insufficient to determine the role of this variant in disease. Therefore, it has been classified as a Variant of Uncertain Significance. Algorithms developed to predict the effect of sequence changes on RNA splicing suggest that this variant may create or strengthen a splice site.

NM_000069.3(CACNA1S):c.4775C>G (p.Ala1592Gly)

Gene: CACNA1S (calcium voltage-gated channel subunit alpha1 S; minus strand). Cytogenetic location: 1q32.1.
Variant type: single nucleotide variant.
Coding change: c.4775C>G on transcript NM_000069.3 (MANE Select); coding-DNA position 4775, C replaced by G.
Protein change: p.Ala1592Gly; replaces alanine 1592 with glycine.
Molecular consequence: missense variant.
Genome position (GRCh38, 1-based): chr1:201,044,350, G>C on the plus strand (C>G on the coding strand, the complement: CACNA1S is on the minus strand). VCF-style: chr1-201044350-G-C. GRCh37 (hg19) VCF-style: chr1-201013478-G-C.
Other names: short protein forms A1592G.
Identifiers: ClinVar variation 2160299 (VCV002160299.5), dbSNP rs1037769687, ClinGen allele CA344139046.